The following is an entry in ClinVar:

NM_025074.7(FRAS1):c.3400A>G (p.Arg1134Gly)

Gene: FRAS1 (Fraser extracellular matrix complex subunit 1; plus strand). Cytogenetic location: 4q21.21.
Variant type: single nucleotide variant.
Coding change: c.3400A>G on transcript NM_025074.7 (MANE Select); coding-DNA position 3400, A replaced by G.
Protein change: p.Arg1134Gly; replaces arginine 1134 with glycine.
Molecular consequence: missense variant.
Genome position (GRCh38, 1-based): chr4:78,379,833, A>G. VCF-style: chr4-78379833-A-G. GRCh37 (hg19) VCF-style: chr4-79300987-A-G.
Other names: c.3400A>G, p.Arg1134Gly (NM_001166133.2); short protein forms R1134G.
Identifiers: ClinVar variation 1520477 (VCV001520477.5), dbSNP rs779661309, ClinGen allele CA2976912.

ClinVar aggregate classification (germline): Uncertain significance (1 of 4 stars; one submission).

Allele frequency attached by ClinVar (database versions not stated): gnomAD exomes below 0.00001 and 0.00001; ExAC 0.00001.
gnomAD v4.1: 2 of 1,613,912 alleles (0.00012%); highest among the groups gnomAD compares: Admixed American, 0.0017%; no homozygotes.

Submission:

Labcorp Genetics (formerly Invitae), Labcorp
Classification: Uncertain significance. Last evaluated: 2021-08-31. Review status: criteria provided, single submitter. Criteria: Invitae Variant Classification Sherloc (09022015). Collection method: clinical testing. Allele origin: germline.
Comment: This sequence change replaces arginine with glycine at codon 1134 of the FRAS1 protein (p.Arg1134Gly). The arginine residue is highly conserved and there is a moderate physicochemical difference between arginine and glycine. This variant is present in population databases (rs779661309, ExAC 0.009%). This variant has not been reported in the literature in individuals affected with FRAS1-related conditions. Algorithms developed to predict the effect of missense changes on protein structure and function (SIFT, PolyPhen-2, Align-GVGD) all suggest that this variant is likely to be tolerated. In summary, the available evidence is currently insufficient to determine the role of this variant in disease. Therefore, it has been classified as a Variant of Uncertain Significance.